The following is an entry in ClinVar:

ClinVar aggregate classification (germline): Likely benign. Review status: criteria provided, single submitter (1 of 4 stars). 2 submissions from 2 submitters: Likely benign (1). 1 of the submissions does not count toward it. Last evaluated 2025-12-15.

Conditions:
EP300-related disorder. Also called: EP300-related condition; EP300-related disorders.
Rubinstein-Taybi syndrome due to EP300 haploinsufficiency. Also called: EP300-Related Rubinstein-Taybi Syndrome; RUBINSTEIN-TAYBI SYNDROME 2. Identifiers: Orphanet 353284, Orphanet 783, MedGen C3150941, MONDO:0013364, OMIM 613684.

gnomAD v4.1: 5 of 1,607,914 alleles (0.00031%); highest among the groups gnomAD compares: African/African-American, 0.004%; no homozygotes.

Submissions (2):

Labcorp Genetics (formerly Invitae), Labcorp
Classification: Likely benign for Rubinstein-Taybi syndrome due to EP300 haploinsufficiency. Last evaluated: 2025-12-15. Review status: criteria provided, single submitter. Criteria: Invitae Variant Classification Sherloc (09022015). Collection method: clinical testing. Allele origin: germline.

PreventionGenetics, part of Exact Sciences
Classification: Likely benign for EP300-related condition. Last evaluated: 2021-10-18. Review status: no assertion criteria provided. Collection method: clinical testing. Allele origin: germline. Not counted in ClinVar's aggregate classification.
Comment: This variant is classified as likely benign based on ACMG/AMP sequence variant interpretation guidelines (Richards et al. 2015 PMID: 25741868, with internal and published modifications).

NM_001429.4(EP300):c.4252C>T (p.Leu1418=)

Gene: EP300 (EP300 lysine acetyltransferase; plus strand). Cytogenetic location: 22q13.2.
Variant type: single nucleotide variant.
Coding change: c.4252C>T on transcript NM_001429.4 (MANE Select); coding-DNA position 4252, C replaced by T.
Protein change: p.Leu1418=; no amino-acid change (leucine 1418 retained).
Molecular consequence: synonymous variant.
Genome position (GRCh38, 1-based): chr22:41,169,582, C>T. VCF-style: chr22-41169582-C-T. GRCh37 (hg19) VCF-style: chr22-41565586-C-T.
Other names: c.4174C>T, p.Leu1392= (NM_001362843.2).
Identifiers: ClinVar variation 3350742 (VCV003350742.3).